The following is an entry in ClinVar:

NM_013432.5(TONSL):c.4127G>A (p.Arg1376Gln)

Gene: TONSL (tonsoku like, DNA repair protein; minus strand). Cytogenetic location: 8q24.3.
Variant type: single nucleotide variant.
Coding change: c.4127G>A on transcript NM_013432.5 (MANE Select); coding-DNA position 4127, G replaced by A.
Protein change: p.Arg1376Gln; replaces arginine 1376 with glutamine.
Molecular consequence: missense variant.
Genome position (GRCh38, 1-based): chr8:144,429,153, C>T on the plus strand (G>A on the coding strand, the complement: TONSL is on the minus strand). VCF-style: chr8-144429153-C-T. GRCh37 (hg19) VCF-style: chr8-145654536-C-T.
Other names: short protein forms R1376Q.
Identifiers: ClinVar variation 1468589 (VCV001468589.5), dbSNP rs1264402952, ClinGen allele CA372636547.

ClinVar aggregate classification (germline): Uncertain significance (1 of 4 stars; one submission).

Allele frequency attached by ClinVar (database versions not stated): gnomAD 0.00003 and 0.00004.

Submission:

Labcorp Genetics (formerly Invitae), Labcorp
Classification: Uncertain significance. Last evaluated: 2022-03-19. Review status: criteria provided, single submitter. Criteria: Invitae Variant Classification Sherloc (09022015). Collection method: clinical testing. Allele origin: germline.
Comment: This sequence change replaces arginine, which is basic and polar, with glutamine, which is neutral and polar, at codon 1376 of the TONSL protein (p.Arg1376Gln). The frequency data for this variant in the population databases is considered unreliable, as metrics indicate poor data quality at this position in the gnomAD database. This variant has not been reported in the literature in individuals affected with TONSL-related conditions. Algorithms developed to predict the effect of missense changes on protein structure and function output the following: SIFT: "Deleterious"; PolyPhen-2: "Benign"; Align-GVGD: "Class C0". The glutamine amino acid residue is found in multiple mammalian species, which suggests that this missense change does not adversely affect protein function. Algorithms developed to predict the effect of sequence changes on RNA splicing suggest that this variant may create or strengthen a splice site. In summary, the available evidence is currently insufficient to determine the role of this variant in disease. Therefore, it has been classified as a Variant of Uncertain Significance.